The following is an entry in ClinVar:

ClinVar aggregate classification (germline): Likely benign (0 of 4 stars; one submission).

Conditions:
SLC34A3-related disorder. Also called: SLC34A3-related condition.

Submission:

PreventionGenetics, part of Exact Sciences
Classification: Likely benign for SLC34A3-related condition. Last evaluated: 2021-04-07. Review status: no assertion criteria provided. Collection method: clinical testing. Allele origin: germline.
Comment: This variant is classified as likely benign based on ACMG/AMP sequence variant interpretation guidelines (Richards et al. 2015 PMID: 25741868, with internal and published modifications).

NM_001177316.2(SLC34A3):c.560+40del

Gene: SLC34A3 (solute carrier family 34 member 3; plus strand). Cytogenetic location: 9q34.3.
Variant type: Deletion.
Coding change: c.560+40del on transcript NM_001177316.2 (MANE Select); 40 bases into the intron after coding-DNA position 560, one base deleted (G; older notation c.560+40delG).
Molecular consequence: intron variant.
Genome position (GRCh38, 1-based): chr9:137,233,155, G deleted; the last of 2 consecutive G bases (chr9:137,233,154-137,233,155); deleting either gives the same sequence. VCF-style (leftmost placement, unchanged base first): chr9-137233153-TG-T. GRCh37 (hg19) VCF-style: chr9-140127605-TG-T.
Other names: c.560+40del (NM_001177317.2, NM_080877.3).
Identifiers: ClinVar variation 3060742 (VCV003060742.2), dbSNP rs781003514, ClinGen allele CA5364472.
Genomic context (GRCh38, chr9:137,233,153, plus strand): 5'-GGGGACCGGGATGAATTTCAGAGGTGAGTTGTGGGTGGAAGGGCTGGGCTGGGGCTGCAG[TG>T]GCAGCCCCAGCCCGGGCCCCCCCACCTGACCCTGCCCACTCTCTGCGGCCACAGGGCTTT-3'